The following is an entry in ClinVar:

ClinVar aggregate classification (germline): Likely benign. Review status: criteria provided, multiple submitters, no conflicts (2 of 4 stars). 3 submissions from 3 submitters: Likely benign (3). Last evaluated 2026-03-27.

Conditions:
Cardiovascular phenotype. Identifiers: MedGen CN230736.
Brugada syndrome 8 (BRGDA8). Identifiers: Orphanet 130, MedGen C2751083, MONDO:0013148, OMIM 613123.

Allele frequency attached by ClinVar (database versions not stated): gnomAD 0.00001; TOPMed 0.00001.
gnomAD v4.1: 5 of 1,558,984 alleles (0.00032%); highest among the groups gnomAD compares: Non-Finnish European, 0.00043%; no homozygotes.

Submissions (3):

Molecular Diagnostic Laboratory for Inherited Cardiovascular Disease, Montreal Heart Institute
Classification: Likely benign. Last evaluated: 2026-03-27. Review status: criteria provided, single submitter. Criteria: ACMG Guidelines, 2015. Collection method: clinical testing. Allele origin: germline. Affected: no.
Comment: BP7

Labcorp Genetics (formerly Invitae), Labcorp
Classification: Likely benign for Brugada syndrome 8. Last evaluated: 2025-11-17. Review status: criteria provided, single submitter. Criteria: Invitae Variant Classification Sherloc (09022015). Collection method: clinical testing. Allele origin: germline.

Ambry Genetics
Classification: Likely benign for Cardiovascular phenotype. Last evaluated: 2021-06-23. Review status: criteria provided, single submitter. Criteria: Ambry Variant Classification Scheme 2023. Collection method: clinical testing. Allele origin: germline.

NM_005477.3(HCN4):c.3021G>C (p.Val1007=)

Gene: HCN4 (hyperpolarization activated cyclic nucleotide gated potassium channel 4; minus strand). Cytogenetic location: 15q24.1.
Variant type: single nucleotide variant.
Coding change: c.3021G>C on transcript NM_005477.3 (MANE Select); coding-DNA position 3021, G replaced by C.
Protein change: p.Val1007=; no amino-acid change (valine 1007 retained).
Molecular consequence: synonymous variant.
Genome position (GRCh38, 1-based): chr15:73,323,072, C>G on the plus strand (G>C on the coding strand, the complement: HCN4 is on the minus strand). VCF-style: chr15-73323072-C-G. GRCh37 (hg19) VCF-style: chr15-73615413-C-G.
Identifiers: ClinVar variation 1625687 (VCV001625687.11), dbSNP rs1461880931, ClinGen allele CA491478454.
Genomic context (GRCh38, chr15:73,323,072, plus strand): 5'-GGGGCTGAGACCTCCTCGGGGAGTAAAGCCTACAGGGGAAGCCCCCCCAGAGGCCCCTGC[C>G]ACAAGGGACGGCGGCTCAGGCTGCCGTGGGGGTGTCTCTGGCGTGCTCAGTGGGCCAGTG-3'
Protein context (NP_005468.1, residues 997-1017): PPRQPEPPSL[Val1007=]AGASGGASPV